The following is an entry in ClinVar:

ClinVar aggregate classification (germline): Benign. Review status: criteria provided, multiple submitters, no conflicts (2 of 4 stars). 2 submissions from 2 submitters: Benign (2). Last evaluated 2018-01-13.

Conditions:
Factor V and factor VIII, combined deficiency of, type 1. Also called: Combined factor V and VIII deficiency; FAMILIAL MULTIPLE COAGULATION FACTOR DEFICIENCY I; MULTIPLE COAGULATION FACTOR DEFICIENCY I; FMFD I. Identifiers: Orphanet 35909, MedGen C4551981, MONDO:0009206, OMIM 227300.

Allele frequency attached by ClinVar (database versions not stated): TOPMed 0.10146; 1000 Genomes Project 0.07748; 1000 Genomes Project 30x 0.08057; gnomAD 0.08931.

Submissions (2):

Illumina Laboratory Services, Illumina
Classification: Benign for Factor V and factor VIII, combined deficiency of, type 1. Last evaluated: 2018-01-13. Review status: criteria provided, single submitter. Criteria: ICSL Variant Classification Criteria 13 December 2019. Collection method: clinical testing. Allele origin: germline.
Comment: This variant was observed in the ICSL laboratory as part of a predisposition screen in an ostensibly healthy population. It had not been previously curated by ICSL or reported in the Human Gene Mutation Database (HGMD: prior to June 1st, 2018), and was therefore a candidate for classification through an automated scoring system. Utilizing variant allele frequency, disease prevalence and penetrance estimates, and inheritance mode, an automated score was calculated to assess if this variant is too frequent to cause the disease. Based on the score and internal cut-off values, a variant classified as benign is not then subjected to further curation. The score for this variant resulted in a classification of benign for this disease.

Breakthrough Genomics
Classification: Benign. Review status: criteria provided, single submitter. Criteria: ACMG Guidelines, 2015. Collection method: not provided. Allele origin: germline. Inheritance: Autosomal recessive inheritance. Affected: yes.

NM_005570.4(LMAN1):c.*2063C>G

Gene: LMAN1 (lectin, mannose binding 1; minus strand). Cytogenetic location: 18q21.32.
Variant type: single nucleotide variant.
Coding change: c.*2063C>G on transcript NM_005570.4 (MANE Select); 2063 bases downstream of the stop codon, C replaced by G.
Molecular consequence: 3 prime UTR variant.
Genome position (GRCh38, 1-based): chr18:59,329,030, G>C on the plus strand (C>G on the coding strand, the complement: LMAN1 is on the minus strand). VCF-style: chr18-59329030-G-C. GRCh37 (hg19) VCF-style: chr18-56996262-G-C.
Identifiers: ClinVar variation 327548 (VCV000327548.6), dbSNP rs7239187, ClinGen allele CA10651191.